The following is an entry in ClinVar:

ClinVar aggregate classification (germline): Uncertain significance (1 of 4 stars; one submission).

Submission:

Labcorp Genetics (formerly Invitae), Labcorp
Classification: Uncertain significance. Last evaluated: 2026-01-12. Review status: criteria provided, single submitter. Criteria: Invitae Variant Classification Sherloc (09022015). Collection method: clinical testing. Allele origin: germline.
Comment: This sequence change replaces glycine, which is neutral and non-polar, with arginine, which is basic and polar, at codon 581 of the COL9A3 protein (p.Gly581Arg). Information on the frequency of this variant in the gnomAD database is not available, as this variant may be reported differently in the database. This variant has not been reported in the literature in individuals affected with COL9A3-related conditions. ClinVar contains an entry for this variant (Variation ID: 1407334). Experimental studies and prediction algorithms are not available or were not evaluated, and the functional significance of this variant is currently unknown. In summary, the available evidence is currently insufficient to determine the role of this variant in disease. Therefore, it has been classified as a Variant of Uncertain Significance.

NM_001853.4(COL9A3):c.1740_1741inv (p.Gly581Arg)

Gene: COL9A3 (collagen type IX alpha 3 chain; plus strand). Cytogenetic location: 20q13.33.
Variant type: Inversion.
Coding change: c.1740_1741inv on transcript NM_001853.4 (MANE Select).
Protein change: p.Gly581Arg; replaces glycine 581 with arginine.
Molecular consequence: missense variant.
Genome position: GRCh38 VCF-style: chr20-62837219-TG-CA. GRCh37 (hg19) VCF-style: chr20-61468571-TG-CA.
Other names: short protein forms G581R.
Identifiers: ClinVar variation 1407334 (VCV001407334.7), ClinGen allele CA2573157280.